The following is an entry in ClinVar:

ClinVar aggregate classification (germline): Uncertain significance (1 of 4 stars; one submission).

Conditions:
Hereditary cancer-predisposing syndrome. Also called: Neoplastic Syndromes, Hereditary; Tumor predisposition; Hereditary neoplastic syndrome; Hereditary Cancer Syndrome. Identifiers: Orphanet 140162, MedGen C0027672, MeSH D009386, MONDO:0015356.
Cardiovascular phenotype. Identifiers: MedGen CN230736.

Submission:

Ambry Genetics
Classification: Uncertain significance for Cardiovascular phenotype; Hereditary cancer-predisposing syndrome. Last evaluated: 2024-03-02. Review status: criteria provided, single submitter. Criteria: Ambry Variant Classification Scheme 2023. Collection method: clinical testing. Allele origin: germline.
Comment: The p.R237P variant (also known as c.710G>C), located in coding exon 8 of the LZTR1 gene, results from a G to C substitution at nucleotide position 710. The arginine at codon 237 is replaced by proline, an amino acid with dissimilar properties. This amino acid position is conserved. In addition, this alteration is predicted to be deleterious by in silico analysis. Based on the available evidence, the clinical significance of this alteration remains unclear.

NM_006767.4(LZTR1):c.710G>C (p.Arg237Pro)

Gene: LZTR1 (leucine zipper like post translational regulator 1; plus strand). Cytogenetic location: 22q11.21.
Variant type: single nucleotide variant.
Coding change: c.710G>C on transcript NM_006767.4 (MANE Select); coding-DNA position 710, G replaced by C.
Protein change: p.Arg237Pro; replaces arginine 237 with proline.
Molecular consequence: missense variant.
Genome position (GRCh38, 1-based): chr22:20,990,444, G>C. VCF-style: chr22-20990444-G-C. GRCh37 (hg19) VCF-style: chr22-21344733-G-C.
Other names: short protein forms R237P.
Identifiers: ClinVar variation 3238327 (VCV003238327.1), dbSNP rs773696598.